The following is an entry in ClinVar:

ClinVar aggregate classification (germline): Uncertain significance (1 of 4 stars; one submission).

Conditions:
Familial episodic pain syndrome with predominantly lower limb involvement. Also called: Episodic pain syndrome, familial, 3. Identifiers: Orphanet 391384, Orphanet 391392, MedGen C3809899, MONDO:0014247, OMIM 615552.
Hereditary sensory and autonomic neuropathy type 7. Also called: HSAN VII; Neuropathy, hereditary sensory and autonomic, type VII. Identifiers: Orphanet 391397, MedGen C3809882, MONDO:0014244, OMIM 615548.

Allele frequency attached by ClinVar (database versions not stated): gnomAD exomes below 0.00001 and 0.00002.
gnomAD v4.1: 30 of 1,613,900 alleles (0.0019%); highest among the groups gnomAD compares: Non-Finnish European, 0.0025%; no homozygotes.

Submission:

Labcorp Genetics (formerly Invitae), Labcorp
Classification: Uncertain significance for Familial episodic pain syndrome with predominantly lower limb involvement; Hereditary sensory and autonomic neuropathy type 7. Last evaluated: 2019-07-29. Review status: criteria provided, single submitter. Criteria: Invitae Variant Classification Sherloc (09022015). Collection method: clinical testing. Allele origin: germline.
Comment: This sequence change replaces serine with proline at codon 360 of the SCN11A protein (p.Ser360Pro). The serine residue is highly conserved and there is a moderate physicochemical difference between serine and proline. This variant is not present in population databases (ExAC no frequency). In summary, the available evidence is currently insufficient to determine the role of this variant in disease. Therefore, it has been classified as a Variant of Uncertain Significance. Algorithms developed to predict the effect of missense changes on protein structure and function (SIFT, PolyPhen-2, Align-GVGD) all suggest that this variant is likely to be disruptive, but these predictions have not been confirmed by published functional studies and their clinical significance is uncertain. This variant has not been reported in the literature in individuals with SCN11A-related conditions.

NM_001349253.2(SCN11A):c.1078T>C (p.Ser360Pro)

Gene: SCN11A (sodium voltage-gated channel alpha subunit 11; minus strand). Cytogenetic location: 3p22.2.
Variant type: single nucleotide variant.
Coding change: c.1078T>C on transcript NM_001349253.2 (MANE Select); coding-DNA position 1078, T replaced by C.
Protein change: p.Ser360Pro; replaces serine 360 with proline.
Molecular consequence: missense variant.
Genome position (GRCh38, 1-based): chr3:38,910,089, A>G on the plus strand (T>C on the coding strand, the complement: SCN11A is on the minus strand). VCF-style: chr3-38910089-A-G. GRCh37 (hg19) VCF-style: chr3-38951580-A-G.
Other names: c.1078T>C, p.Ser360Pro (NM_014139.3); short protein forms S360P.
Identifiers: ClinVar variation 960422 (VCV000960422.7), dbSNP rs1190161081, ClinGen allele CA352168435.